The following is an entry in ClinVar:

NM_001190274.2(FBXO11):c.1153+2T>C

Gene: FBXO11 (F-box protein 11; minus strand). Cytogenetic location: 2p16.3.
Variant type: single nucleotide variant.
Coding change: c.1153+2T>C on transcript NM_001190274.2 (MANE Select); the canonical splice donor site of the intron after coding-DNA position 1153, T replaced by C.
Molecular consequence: splice donor variant.
Genome position (GRCh38, 1-based): chr2:47,832,767, A>G on the plus strand (T>C on the coding strand, the complement: FBXO11 is on the minus strand). VCF-style: chr2-47832767-A-G. GRCh37 (hg19) VCF-style: chr2-48059906-A-G.
Other names: c.901+2T>C (NM_001374325.1, NM_025133.4); c.1153+2T>C (NM_001190274.1).
Identifiers: ClinVar variation 1525708 (VCV001525708.9), dbSNP rs770336997, ClinGen allele CA1649932.

ClinVar aggregate classification (germline): Likely pathogenic. Review status: criteria provided, single submitter (1 of 4 stars). 2 submissions from 2 submitters: Likely pathogenic (1). 1 of the submissions does not count toward it. Last evaluated 2025-06-14.

Conditions:
FBXO11-related disorder. Also called: FBXO11-related condition.

Allele frequency attached by ClinVar (database versions not stated): TOPMed below 0.00001; ExAC 0.00001; gnomAD exomes 0.00001 and 0.00002.
gnomAD v4.1: 5 of 1,611,194 alleles (0.00031%); highest among the groups gnomAD compares: Admixed American, 0.0083%; no homozygotes.

Submissions (2):

Labcorp Genetics (formerly Invitae), Labcorp
Classification: Likely pathogenic. Last evaluated: 2025-06-14. Review status: criteria provided, single submitter. Criteria: Invitae Variant Classification Sherloc (09022015). Collection method: clinical testing. Allele origin: germline.
Comment: This sequence change affects a donor splice site in intron 9 of the FBXO11 gene. It is expected to disrupt RNA splicing. Variants that disrupt the donor or acceptor splice site typically lead to a loss of protein function (PMID: 16199547), and loss-of-function variants in FBXO11 are known to be pathogenic (PMID: 30057029, 30679813). This variant is present in population databases (rs770336997, gnomAD 0.01%). This variant has not been reported in the literature in individuals affected with FBXO11-related conditions. ClinVar contains an entry for this variant (Variation ID: 1525708). Algorithms developed to predict the effect of sequence changes on RNA splicing suggest that this variant may disrupt the consensus splice site. In summary, the currently available evidence indicates that the variant is pathogenic, but additional data are needed to prove that conclusively. Therefore, this variant has been classified as Likely Pathogenic.

PreventionGenetics, part of Exact Sciences
Classification: Likely pathogenic for FBXO11-related condition. Last evaluated: 2024-07-18. Review status: no assertion criteria provided. Collection method: clinical testing. Allele origin: germline. Not counted in ClinVar's aggregate classification.
Comment: The FBXO11 c.1153+2T>C variant is predicted to disrupt the GT donor site and interfere with normal splicing. To our knowledge, this variant has not been reported in the literature. This variant is reported in 0.012% of alleles in individuals of Latino descent in gnomAD. Variants that disrupt the consensus splice donor site in FBXO11 are expected to be pathogenic. This variant is interpreted as likely pathogenic.

Literature cited by the submitters: PubMed 16199547 (cited by Labcorp Genetics (formerly Invitae), Labcorp); PubMed 30057029 (cited by Labcorp Genetics (formerly Invitae), Labcorp); PubMed 30679813 (cited by Labcorp Genetics (formerly Invitae), Labcorp).